The following is an entry in ClinVar:

NM_014283.5(SUCO):c.1190C>G (p.Thr397Ser)

Gene: SUCO (SUN domain containing ossification factor; plus strand). Cytogenetic location: 1q24.3.
Variant type: single nucleotide variant.
Coding change: c.1190C>G on transcript NM_014283.5 (MANE Select); coding-DNA position 1190, C replaced by G.
Protein change: p.Thr397Ser; replaces threonine 397 with serine.
Molecular consequence: missense variant. On other transcripts: 5 prime UTR variant (1).
Genome position (GRCh38, 1-based): chr1:172,575,550, C>G. VCF-style: chr1-172575550-C-G. GRCh37 (hg19) VCF-style: chr1-172544690-C-G.
Other names: c.1079C>G, p.Thr360Ser (NM_001282750.2); c.-340C>G (NM_001282751.2); c.1664C>G, p.Thr555Ser (NM_016227.4); short protein forms T360S, T397S, T555S.
Identifiers: ClinVar variation 3612452 (VCV003612452.2).

ClinVar aggregate classification (germline): Uncertain significance (1 of 4 stars; one submission).

gnomAD v4.1: 4 of 1,611,876 alleles (0.00025%); highest among the groups gnomAD compares: Non-Finnish European, 0.00034%; no homozygotes.

Submission:

Labcorp Genetics (formerly Invitae), Labcorp
Classification: Uncertain significance. Last evaluated: 2024-04-12. Review status: criteria provided, single submitter. Criteria: Invitae Variant Classification Sherloc (09022015). Collection method: clinical testing. Allele origin: germline.
Comment: This sequence change replaces threonine, which is neutral and polar, with serine, which is neutral and polar, at codon 397 of the SUCO protein (p.Thr397Ser). This variant is present in population databases (no rsID available, gnomAD 0.0009%). This variant has not been reported in the literature in individuals affected with SUCO-related conditions. An algorithm developed to predict the effect of missense changes on protein structure and function (PolyPhen-2) suggests that this variant is likely to be disruptive. In summary, the available evidence is currently insufficient to determine the role of this variant in disease. Therefore, it has been classified as a Variant of Uncertain Significance.